The following is an entry in ClinVar:

ClinVar aggregate classification (germline): Uncertain significance (1 of 4 stars; one submission).

Conditions:
Arrhythmogenic cardiomyopathy with wooly hair and keratoderma. Also called: Carvajal syndrome; PALMOPLANTAR KERATODERMA WITH LEFT VENTRICULAR CARDIOMYOPATHY AND WOOLLY HAIR; Dilated cardiomyopathy with woolly hair and keratoderma; Arrhythmogenic cardiomyopathy with woolly hair and keratoderma. Identifiers: Orphanet 65282, MedGen C1854063, MONDO:0011581, OMIM 605676.
Arrhythmogenic right ventricular dysplasia 8 (ARVD8). Also called: Arrhythmogenic Right Ventricular Dysplasia/Cardiomyopathy 8; ARRHYTHMOGENIC RIGHT VENTRICULAR DYSPLASIA, FAMILIAL, 8; ARRHYTHMOGENIC RIGHT VENTRICULAR CARDIOMYOPATHY 8. Identifiers: MedGen C1843896, MONDO:0011831, OMIM 607450.

Submission:

Labcorp Genetics (formerly Invitae), Labcorp
Classification: Uncertain significance for Arrhythmogenic cardiomyopathy with wooly hair and keratoderma; Arrhythmogenic right ventricular dysplasia 8. Last evaluated: 2026-01-04. Review status: criteria provided, single submitter. Criteria: Invitae Variant Classification Sherloc (09022015). Collection method: clinical testing. Allele origin: germline.
Comment: This sequence change replaces aspartic acid, which is acidic and polar, with valine, which is neutral and non-polar, at codon 288 of the DSP protein (p.Asp288Val). This variant is not present in population databases (gnomAD no frequency). This variant has not been reported in the literature in individuals affected with DSP-related conditions. An algorithm developed to predict the effect of missense changes on protein structure and function (PolyPhen-2) suggests that this variant is likely to be disruptive. In summary, the available evidence is currently insufficient to determine the role of this variant in disease. Therefore, it has been classified as a Variant of Uncertain Significance.

NM_004415.4(DSP):c.863A>T (p.Asp288Val)

Gene: DSP (desmoplakin; plus strand). Cytogenetic location: 6p24.3.
Variant type: single nucleotide variant.
Coding change: c.863A>T on transcript NM_004415.4 (MANE Select); coding-DNA position 863, A replaced by T.
Protein change: p.Asp288Val; replaces aspartic acid 288 with valine.
Molecular consequence: missense variant.
Genome position (GRCh38, 1-based): chr6:7,565,444, A>T. VCF-style: chr6-7565444-A-T. GRCh37 (hg19) VCF-style: chr6-7565677-A-T.
Other names: c.863A>T, p.Asp288Val (NM_001008844.3, NM_001319034.2, NM_001406591.1); short protein forms D288V.
Identifiers: ClinVar variation 4785165 (VCV004785165.1).